The following is an entry in ClinVar:

ClinVar aggregate classification (germline): Pathogenic. Review status: criteria provided, multiple submitters, no conflicts (2 of 4 stars). 12 submissions from 12 submitters: Pathogenic (7). 5 of the submissions do not count toward it. Last evaluated 2024-03-17.

Conditions:
ASL-related disorder. Also called: ASL-related condition.
Argininosuccinate lyase deficiency. Also called: Argininosuccinic aciduria; ARGININOSUCCINIC ACID LYASE DEFICIENCY; ASL DEFICIENCY. Identifiers: Orphanet 23, MedGen C0268547, MONDO:0008815, OMIM 207900, HP:0025630.

Submissions (12):

Genomic Medicine Center of Excellence, King Faisal Specialist Hospital and Research Centre
Classification: Pathogenic for Argininosuccinate lyase deficiency. Last evaluated: 2024-03-17. Review status: criteria provided, single submitter. Criteria: ACMG Guidelines, 2015. Collection method: research. Allele origin: germline.

Labcorp Genetics (formerly Invitae), Labcorp
Classification: Pathogenic for Argininosuccinate lyase deficiency. Last evaluated: 2023-05-24. Review status: criteria provided, single submitter. Criteria: Invitae Variant Classification Sherloc (09022015). Collection method: clinical testing. Allele origin: germline.
Comment: Algorithms developed to predict the effect of sequence changes on RNA splicing suggest that this variant may disrupt the consensus splice site. ClinVar contains an entry for this variant (Variation ID: 21253). This premature translational stop signal has been observed in individual(s) with argininosuccinic aciduria (PMID: 16435180). This variant is not present in population databases (gnomAD no frequency). This sequence change creates a premature translational stop signal (p.Gln354*) in the ASL gene. It is expected to result in an absent or disrupted protein product. Loss-of-function variants in ASL are known to be pathogenic (PMID: 2263616, 24166829). For these reasons, this variant has been classified as Pathogenic.

Revvity Omics, Revvity
Classification: Pathogenic for Argininosuccinate lyase deficiency. Last evaluated: 2021-10-06. Review status: criteria provided, single submitter. Criteria: ACMG Guidelines, 2015. Collection method: clinical testing. Allele origin: germline.

Department of Genetics, Sultan Qaboos University Hospital
Classification: Pathogenic for Argininosuccinate lyase deficiency. Last evaluated: 2017-12-30. Review status: criteria provided, single submitter. Criteria: ACMG Guidelines, 2015. Collection method: curation. Allele origin: unknown. Affected: yes.

GeneDx
Classification: Pathogenic. Last evaluated: 2016-09-09. Review status: criteria provided, single submitter. Criteria: GeneDx Variant Classification (06012015). Collection method: clinical testing. Allele origin: germline. Affected: yes.
Comment: p.Q354* CAG>TAG c.1060C>T nonsense variant in the ASL gene was identified in the homozygous state in 14 of 28 patients from Saudi Arabia who were diagnosed with argininosuccinic aciduria (ASA) after being detected on MS/MS newborn screening (Al-Sayed et al., 2005). This variant is predicted to cause loss of normal protein function either through protein truncation or nonsense-mediated mRNA decay.

Women's Health and Genetics/Laboratory Corporation of America, LabCorp
Classification: Pathogenic for Argininosuccinate lyase deficiency. Last evaluated: 2016-05-05. Review status: criteria provided, single submitter. Criteria: LabCorp Variant Classification Summary - May 2015. Collection method: clinical testing. Allele origin: germline.
Comment: Variant summary: The c.1060C>T variant results in a premature termination codon, predicted to cause a truncated or absent ASL protein, which is a commonly known mechanism for disease. One in-silico tool predicts damaging outcome for this variant. 4/5 splice prediction tools predict that this variant does not affect normal splicing. ESE finder predicts that this variant may affect multiple ESE sites. However, these predictions are not confirmed by experimental studies.This variant is not found in 116646 control chromosomes. This variant has been reported in many affected individuals as a founder mutation in the Saudi population (Al-Sayed_JIMD_2005). In addition, multiple clinical laboratories/reputable databases classified this variant as pathogenic. Taken together, this variant was classified as pathogenic.

Eurofins Ntd Llc (ga)
Classification: Pathogenic. Last evaluated: 2016-05-02. Review status: criteria provided, single submitter. Criteria: EGL Classification Definitions. Collection method: clinical testing. Allele origin: germline. Observed: 5 variant alleles, 3 heterozygotes, 2 homozygotes.

PreventionGenetics, part of Exact Sciences
Classification: Pathogenic for ASL-related condition. Last evaluated: 2024-01-03. Review status: no assertion criteria provided. Collection method: clinical testing. Allele origin: germline. Not counted in ClinVar's aggregate classification.
Comment: The ASL c.1060C>T variant is predicted to result in premature protein termination (p.Gln354*). This variant was reported to be causative for argininosuccinic aciduria (Al-Sayed et al. 2005. PubMed ID: 16435180; AlTassan et al. 2018. PubMed ID: 29326055). This variant has not been reported in a large population database, indicating this variant is rare. Nonsense variants in ASL are expected to be pathogenic. This variant is interpreted as pathogenic.

OMIM
Classification: Pathogenic for ARGININOSUCCINIC ACIDURIA. Last evaluated: 2021-11-22. Review status: no assertion criteria provided. Collection method: literature only. Allele origin: germline. Not counted in ClinVar's aggregate classification.

Biochemical Molecular Genetic Laboratory, King Abdulaziz Medical City
Classification: Pathogenic for Argininosuccinate lyase deficiency. Last evaluated: 2019-09-26. Review status: no assertion criteria provided. Collection method: clinical testing. Allele origin: germline. Affected: yes. Not counted in ClinVar's aggregate classification.

Counsyl
Classification: Pathogenic for Argininosuccinate lyase deficiency. Last evaluated: 2016-07-14. Review status: no assertion criteria provided. Collection method: clinical testing. Allele origin: unknown. Not counted in ClinVar's aggregate classification.

GeneReviews
No classification provided. Condition: Argininosuccinate lyase deficiency. Review status: no classification provided. Collection method: literature only. Allele origin: unknown. Not counted in ClinVar's aggregate classification.

Literature cited by the submitters: PubMed 16435180 (cited by 3 submitters); PubMed 2263616 (cited by Labcorp Genetics (formerly Invitae), Labcorp); PubMed 24166829 (cited by Labcorp Genetics (formerly Invitae), Labcorp); PubMed 25525159 (cited by Women's Health and Genetics/Laboratory Corporation of America, LabCorp); PubMed 29326055 (cited by OMIM); PubMed 21290785 (cited by GeneReviews); NCBI Bookshelf NBK51784 (cited by GeneReviews).

NM_000048.4(ASL):c.1060C>T (p.Gln354Ter)

Gene: ASL (argininosuccinate lyase; plus strand). Cytogenetic location: 7q11.21.
Variant type: single nucleotide variant.
Coding change: c.1060C>T on transcript NM_000048.4 (MANE Select); coding-DNA position 1060, C replaced by T.
Protein change: p.Gln354Ter; replaces glutamine 354 with a stop codon.
Genome position (GRCh38, 1-based): chr7:66,089,693, C>T. VCF-style: chr7-66089693-C-T. GRCh37 (hg19) VCF-style: chr7-65554680-C-T.
Other names: p.Q354*:CAG>TAG; c.1060C>T, p.Gln354Ter (NM_001024943.2); c.1000C>T, p.Gln334Ter (NM_001024944.2); c.982C>T, p.Gln328Ter (NM_001024946.2); short protein forms Q354*, Q328*, Q334*.
Identifiers: ClinVar variation 21253 (VCV000021253.24), dbSNP rs367543005, ClinGen allele CA285295.